The following is an entry in ClinVar:

NM_005618.4(DLL1):c.207C>T (p.Ala69=)

Gene: DLL1 (delta like canonical Notch ligand 1; minus strand). Cytogenetic location: 6q27.
Variant type: single nucleotide variant.
Coding change: c.207C>T on transcript NM_005618.4 (MANE Select); coding-DNA position 207, C replaced by T.
Protein change: p.Ala69=; no amino-acid change (alanine 69 retained).
Molecular consequence: synonymous variant.
Genome position (GRCh38, 1-based): chr6:170,289,656, G>A on the plus strand (C>T on the coding strand, the complement: DLL1 is on the minus strand). VCF-style: chr6-170289656-G-A. GRCh37 (hg19) VCF-style: chr6-170598744-G-A.
Identifiers: ClinVar variation 2657156 (VCV002657156.24), dbSNP rs772480449, ClinGen allele CA4107202.

ClinVar aggregate classification (germline): Likely benign (1 of 4 stars; one submission).

Allele frequency attached by ClinVar (database versions not stated): TOPMed 0.00001; gnomAD exomes 0.00002; gnomAD 0.00003; ExAC 0.00008.
gnomAD v4.1: 25 of 1,541,410 alleles (0.0016%); highest among the groups gnomAD compares: Non-Finnish European, 0.0021%; no homozygotes.

Submission:

CeGaT Center for Human Genetics Tuebingen
Classification: Likely benign. Last evaluated: 2022-11-01. Review status: criteria provided, single submitter. Criteria: CeGaT Center For Human Genetics Tuebingen Variant Classification Criteria Version 2. Collection method: clinical testing. Allele origin: germline. Affected: yes. Observed: 1 variant allele.
Comment: DLL1: BP4, BP7